The following is an entry in ClinVar:

NM_001162501.2(TNRC6B):c.4436-293C>T

Gene: TNRC6B (trinucleotide repeat containing adaptor 6B; plus strand). Cytogenetic location: 22q13.1.
Variant type: single nucleotide variant.
Coding change: c.4436-293C>T on transcript NM_001162501.2 (MANE Select); 293 bases into the intron before coding-DNA position 4436, C replaced by T.
Molecular consequence: intron variant.
Genome position (GRCh38, 1-based): chr22:40,312,212, C>T. VCF-style: chr22-40312212-C-T. GRCh37 (hg19) VCF-style: chr22-40708216-C-T.
Other names: c.2024-293C>T (NM_001024843.2); c.4106-293C>T (NM_015088.3).
Identifiers: ClinVar variation 4854645 (VCV004854645.1).

ClinVar aggregate classification (germline): Uncertain significance (1 of 4 stars; one submission).

Conditions:
Global developmental delay with speech and behavioral abnormalities. Identifiers: MedGen C5543226, MONDO:0030995, OMIM 619243.

Submission:

3billion
Classification: Uncertain significance for Global developmental delay with speech and behavioral abnormalities. Last evaluated: 2025-11-11. Review status: criteria provided, single submitter. Criteria: ACMG Guidelines, 2015. Collection method: clinical testing. Allele origin: germline. Affected: yes.
Comment: The variant is not observed in the gnomAD v4.1.0 dataset. Predicted Consequence/Location: Intron variant In silico tools predict the variant to alter splicing and produce an abnormal transcript [SpliceAI: 0.34 (>=0.2, moderate evidence for spliceogenicity)]. Therefore, this variant is classified as VUS according to the recommendation of ACMG/AMP guideline.